The following is an entry in ClinVar:

ClinVar aggregate classification (germline): Likely benign (1 of 4 stars; one submission).

Conditions:
Familial colorectal cancer type X. Identifiers: Orphanet 440437, MedGen C3896578, MONDO:0018604.

gnomAD v4.1: 9 of 1,583,130 alleles (0.00057%); highest among the groups gnomAD compares: Non-Finnish European, 0.00078%; no homozygotes.

Submission:

Myriad Genetics, Inc.
Classification: Likely benign for Familial colorectal cancer type X. Last evaluated: 2026-07-31. Review status: criteria provided, single submitter. Criteria: Myriad Autosomal Dominant, Autosomal Recessive and X-Linked Classification Criteria (2023). Collection method: clinical testing. Allele origin: unknown.
Comment: This variant is considered likely benign. This variant is intronic and is not expected to impact mRNA splicing.

NM_001023.4(RPS20):c.178-4A>G

Gene: RPS20 (ribosomal protein S20; minus strand). Cytogenetic location: 8q12.1.
Variant type: single nucleotide variant.
Coding change: c.178-4A>G on transcript NM_001023.4 (MANE Select); 4 bases into the intron before coding-DNA position 178, A replaced by G.
Molecular consequence: intron variant.
Genome position (GRCh38, 1-based): chr8:56,073,276, T>C on the plus strand (A>G on the coding strand, the complement: RPS20 is on the minus strand). VCF-style: chr8-56073276-T-C. GRCh37 (hg19) VCF-style: chr8-56985835-T-C.
Other names: c.178-4A>G (NM_001146227.3).
Identifiers: ClinVar variation 5042387 (VCV005042387.1).